The following is an entry in ClinVar:

ClinVar aggregate classification (germline): Uncertain significance. Review status: criteria provided, multiple submitters, no conflicts (2 of 4 stars). 2 submissions from 2 submitters: Uncertain significance (2). Last evaluated 2024-09-27.

Conditions:
Dyskeratosis congenita, autosomal recessive 6 (DKCB6). Identifiers: MedGen C4225356, MONDO:0014600, OMIM 616353.
Pulmonary fibrosis and/or bone marrow failure, Telomere-related, 4. Also called: PULMONARY FIBROSIS AND/OR BONE MARROW FAILURE SYNDROME, TELOMERE-RELATED, 4. Identifiers: Orphanet 2032, MedGen C4225347, MONDO:0014612, OMIM 616371.
Inborn genetic diseases. Identifiers: MedGen C0950123, MeSH D030342.

gnomAD v4.1: 1 of 1,611,058 alleles (0.000062%); highest among the groups gnomAD compares: Non-Finnish European, 0.000085%; no homozygotes.

Submissions (2):

Labcorp Genetics (formerly Invitae), Labcorp
Classification: Uncertain significance for Dyskeratosis congenita, autosomal recessive 6; Pulmonary fibrosis and/or bone marrow failure, Telomere-related, 4. Last evaluated: 2024-09-27. Review status: criteria provided, single submitter. Criteria: Invitae Variant Classification Sherloc (09022015). Collection method: clinical testing. Allele origin: germline.
Comment: This sequence change replaces glutamic acid, which is acidic and polar, with lysine, which is basic and polar, at codon 175 of the PARN protein (p.Glu175Lys). This variant is not present in population databases (gnomAD no frequency). This variant has not been reported in the literature in individuals affected with PARN-related conditions. Invitae Evidence Modeling of protein sequence and biophysical properties (such as structural, functional, and spatial information, amino acid conservation, physicochemical variation, residue mobility, and thermodynamic stability) indicates that this missense variant is not expected to disrupt PARN protein function with a negative predictive value of 80%. In summary, the available evidence is currently insufficient to determine the role of this variant in disease. Therefore, it has been classified as a Variant of Uncertain Significance.

Ambry Genetics
Classification: Uncertain significance for Inborn genetic diseases. Last evaluated: 2024-07-05. Review status: criteria provided, single submitter. Criteria: Ambry Variant Classification Scheme 2023. Collection method: clinical testing. Allele origin: germline.

NM_002582.4(PARN):c.523G>A (p.Glu175Lys)

Gene: PARN (poly(A)-specific ribonuclease; minus strand). Cytogenetic location: 16p13.12.
Variant type: single nucleotide variant.
Coding change: c.523G>A on transcript NM_002582.4 (MANE Select); coding-DNA position 523, G replaced by A.
Protein change: p.Glu175Lys; replaces glutamic acid 175 with lysine.
Molecular consequence: missense variant.
Genome position (GRCh38, 1-based): chr16:14,610,675, C>T on the plus strand (G>A on the coding strand, the complement: PARN is on the minus strand). VCF-style: chr16-14610675-C-T. GRCh37 (hg19) VCF-style: chr16-14704532-C-T.
Other names: c.340G>A, p.Glu114Lys (NM_001134477.3); c.385G>A, p.Glu129Lys (NM_001242992.2); short protein forms E114K, E129K, E175K.
Identifiers: ClinVar variation 3414174 (VCV003414174.3).